The following is an entry in ClinVar:

ClinVar aggregate classification (germline): Uncertain significance (1 of 4 stars; one submission).

Conditions:
Immunodeficiency 132A. Also called: Herpes simplex encephalitis, susceptibility to, 3. Identifiers: Orphanet 1930, MedGen C3553868, MONDO:0013920, OMIM 614849.

Submission:

Labcorp Genetics (formerly Invitae), Labcorp
Classification: Uncertain significance for Immunodeficiency 132A. Last evaluated: 2026-01-25. Review status: criteria provided, single submitter. Criteria: Invitae Variant Classification Sherloc (09022015). Collection method: clinical testing. Allele origin: germline.
Comment: This sequence change falls in intron 3 of the TRAF3 gene. It does not directly change the encoded amino acid sequence of the TRAF3 protein. Information on the frequency of this variant in the gnomAD database is not available, as this variant may be reported differently in the database. This variant has not been reported in the literature in individuals affected with TRAF3-related conditions. ClinVar contains an entry for this variant (Variation ID: 2189814). Experimental studies and prediction algorithms are not available or were not evaluated, and the effect of this variant on mRNA splicing is currently unknown. In summary, the available evidence is currently insufficient to determine the role of this variant in disease. Therefore, it has been classified as a Variant of Uncertain Significance.

NM_145725.3(TRAF3):c.297+18_297+19inv

Gene: TRAF3 (TNF receptor associated factor 3; plus strand). Cytogenetic location: 14q32.32.
Variant type: Inversion.
Coding change: c.297+18_297+19inv on transcript NM_145725.3 (MANE Select).
Molecular consequence: intron variant.
Genome position: GRCh38 VCF-style: chr14-102871986-TT-AA. GRCh37 (hg19) VCF-style: chr14-103338323-TT-AA.
Other names: c.297+18_297+19inv (NM_001385142.1, NM_145726.3, NM_001385143.1 and 2 more transcripts).
Identifiers: ClinVar variation 2189814 (VCV002189814.4), ClinGen allele CA2580088429.